The following is an entry in ClinVar:

NM_138420.4(AHNAK2):c.5444A>C (p.Asp1815Ala)

Gene: AHNAK2 (AHNAK nucleoprotein 2; minus strand). Cytogenetic location: 14q32.33.
Variant type: single nucleotide variant.
Coding change: c.5444A>C on transcript NM_138420.4 (MANE Select); coding-DNA position 5444, A replaced by C.
Protein change: p.Asp1815Ala; replaces aspartic acid 1815 with alanine.
Molecular consequence: missense variant.
Genome position (GRCh38, 1-based): chr14:104,950,007, T>G on the plus strand (A>C on the coding strand, the complement: AHNAK2 is on the minus strand). VCF-style: chr14-104950007-T-G. GRCh37 (hg19) VCF-style: chr14-105416344-T-G.
Other names: c.5144A>C, p.Asp1715Ala (NM_001350929.2); short protein forms D1715A, D1815A.
Identifiers: ClinVar variation 2644797 (VCV002644797.24), dbSNP rs368838079, ClinGen allele CA7381753.

ClinVar aggregate classification (germline): Benign (1 of 4 stars; one submission).

Allele frequency attached by ClinVar (database versions not stated): gnomAD exomes 0.00015; ExAC 0.00066; ESP Exome Variant Server 0.00123; gnomAD 0.00153; 1000 Genomes Project 30x 0.00312.
gnomAD v4.1: 448 of 1,585,250 alleles (0.028%); highest among the groups gnomAD compares: African/African-American, 0.54%; 36 homozygotes.

Submission:

CeGaT Center for Human Genetics Tuebingen
Classification: Benign. Last evaluated: 2022-09-01. Review status: criteria provided, single submitter. Criteria: CeGaT Center For Human Genetics Tuebingen Variant Classification Criteria Version 2. Collection method: clinical testing. Allele origin: germline. Affected: yes. Observed: 1 variant allele.
Comment: AHNAK2: BP4, BS1, BS2